The following is an entry in ClinVar:

NM_002878.4(RAD51D):c.752T>G (p.Ile251Arg)

Genes: RAD51D (RAD51 paralog D; minus strand), RAD51L3-RFFL (RAD51L3-RFFL readthrough; minus strand). Cytogenetic location: 17q12.
Variant type: single nucleotide variant.
Coding change: c.752T>G on transcript NM_002878.4 (MANE Select); coding-DNA position 752, T replaced by G.
Protein change: p.Ile251Arg; replaces isoleucine 251 with arginine.
Molecular consequence: missense variant. On other transcripts: non-coding transcript variant (3).
Genome position (GRCh38, 1-based): chr17:35,101,352, A>C on the plus strand (T>G on the coding strand, the complement: RAD51D is on the minus strand). VCF-style: chr17-35101352-A-C. GRCh37 (hg19) VCF-style: chr17-33428371-A-C.
Other names: c.812T>G, p.Ile271Arg (NM_001142571.2); c.416T>G, p.Ile139Arg (NM_133629.3); short protein forms I251R, I139R, I271R.
Identifiers: ClinVar variation 482192 (VCV000482192.10), dbSNP rs778847822, ClinGen allele CA399086964.

ClinVar aggregate classification (germline): Uncertain significance. Review status: criteria provided, multiple submitters, no conflicts (2 of 4 stars). 3 submissions from 3 submitters: Uncertain significance (3). Last evaluated 2025-11-29.

Conditions:
Hereditary cancer-predisposing syndrome. Also called: Neoplastic Syndromes, Hereditary; Tumor predisposition; Hereditary Cancer Syndrome; Hereditary neoplastic syndrome. Identifiers: Orphanet 140162, MedGen C0027672, MeSH D009386, MONDO:0015356.
Breast-ovarian cancer, familial, susceptibility to, 4. Identifiers: Orphanet 145, MedGen C3280345, MONDO:0013669, OMIM 614291.

Allele frequency attached by ClinVar (database versions not stated): TOPMed 0.00001.

Submissions (3):

Ambry Genetics
Classification: Uncertain significance for Hereditary cancer-predisposing syndrome. Last evaluated: 2025-11-29. Review status: criteria provided, single submitter. Criteria: Ambry Variant Classification Scheme 2023. Collection method: clinical testing. Allele origin: germline.
Comment: The p.I251R variant (also known as c.752T>G), located in coding exon 9 of the RAD51D gene, results from a T to G substitution at nucleotide position 752. The isoleucine at codon 251 is replaced by arginine, an amino acid with similar properties. This amino acid position is poorly conserved in available vertebrate species. In addition, the in silico prediction for this alteration is inconclusive. Since supporting evidence is limited at this time, the clinical significance of this alteration remains unclear.

Labcorp Genetics (formerly Invitae), Labcorp
Classification: Uncertain significance for Breast-ovarian cancer, familial, susceptibility to, 4. Last evaluated: 2024-06-28. Review status: criteria provided, single submitter. Criteria: Invitae Variant Classification Sherloc (09022015). Collection method: clinical testing. Allele origin: germline.
Comment: This sequence change replaces isoleucine, which is neutral and non-polar, with arginine, which is basic and polar, at codon 251 of the RAD51D protein (p.Ile251Arg). This variant is not present in population databases (gnomAD no frequency). This variant has not been reported in the literature in individuals affected with RAD51D-related conditions. ClinVar contains an entry for this variant (Variation ID: 482192). Advanced modeling of protein sequence and biophysical properties (such as structural, functional, and spatial information, amino acid conservation, physicochemical variation, residue mobility, and thermodynamic stability) performed at Invitae indicates that this missense variant is not expected to disrupt RAD51D protein function with a negative predictive value of 80%. In summary, the available evidence is currently insufficient to determine the role of this variant in disease. Therefore, it has been classified as a Variant of Uncertain Significance.

GeneDx
Classification: Uncertain significance. Last evaluated: 2022-12-28. Review status: criteria provided, single submitter. Criteria: GeneDx Variant Classification Process June 2021. Collection method: clinical testing. Allele origin: germline. Affected: yes.
Comment: Not observed at significant frequency in large population cohorts (gnomAD); In silico analysis supports that this missense variant has a deleterious effect on protein structure/function; Has not been previously published as pathogenic or benign to our knowledge; This variant is associated with the following publications: (PMID: 21111057, 19327148)